The following is an entry in ClinVar:

ClinVar aggregate classification (germline): Pathogenic (1 of 4 stars; one submission).

Allele frequency attached by ClinVar (database versions not stated): gnomAD 0.00002; ExAC 0.00003; gnomAD exomes 0.00003; TOPMed 0.00005; ESP Exome Variant Server 0.00008.
gnomAD v4.1: 45 of 1,613,394 alleles (0.0028%); highest among the groups gnomAD compares: Non-Finnish European, 0.0037%; no homozygotes.

Submission:

Labcorp Genetics (formerly Invitae), Labcorp
Classification: Pathogenic. Last evaluated: 2025-02-10. Review status: criteria provided, single submitter. Criteria: Invitae Variant Classification Sherloc (09022015). Collection method: clinical testing. Allele origin: germline.
Comment: This sequence change creates a premature translational stop signal (p.Trp97*) in the RNASET2 gene. It is expected to result in an absent or disrupted protein product. Loss-of-function variants in RNASET2 are known to be pathogenic (PMID: 19525954, 25044680, 29336640). This variant is present in population databases (rs367656044, gnomAD 0.004%). This variant has not been reported in the literature in individuals affected with RNASET2-related conditions. ClinVar contains an entry for this variant (Variation ID: 2148852). Algorithms developed to predict the effect of sequence changes on RNA splicing suggest that this variant may disrupt the consensus splice site. For these reasons, this variant has been classified as Pathogenic.

Literature cited by the submitters: PubMed 19525954; PubMed 25044680; PubMed 29336640.

NM_003730.6(RNASET2):c.291G>A (p.Trp97Ter)

Gene: RNASET2 (ribonuclease T2; minus strand). Cytogenetic location: 6q27.
Variant type: single nucleotide variant.
Coding change: c.291G>A on transcript NM_003730.6 (MANE Select); coding-DNA position 291, G replaced by A.
Protein change: p.Trp97Ter; replaces tryptophan 97 with a stop codon.
Molecular consequence: nonsense.
Genome position (GRCh38, 1-based): chr6:166,943,060, C>T on the plus strand (G>A on the coding strand, the complement: RNASET2 is on the minus strand). VCF-style: chr6-166943060-C-T. GRCh37 (hg19) VCF-style: chr6-167356548-C-T.
Other names: short protein forms W97*.
Identifiers: ClinVar variation 2148852 (VCV002148852.4), dbSNP rs367656044, ClinGen allele CA4095062.